The following is an entry in ClinVar:

NM_003737.4(DCHS1):c.4523C>T (p.Ala1508Val)

Gene: DCHS1 (dachsous cadherin-related 1; minus strand). Cytogenetic location: 11p15.4.
Variant type: single nucleotide variant.
Coding change: c.4523C>T on transcript NM_003737.4 (MANE Select); coding-DNA position 4523, C replaced by T.
Protein change: p.Ala1508Val; replaces alanine 1508 with valine.
Molecular consequence: missense variant.
Genome position (GRCh38, 1-based): chr11:6,630,271, G>A on the plus strand (C>T on the coding strand, the complement: DCHS1 is on the minus strand). VCF-style: chr11-6630271-G-A. GRCh37 (hg19) VCF-style: chr11-6651502-G-A.
Other names: short protein forms A1508V.
Identifiers: ClinVar variation 3339628 (VCV003339628.1).
Genomic context (GRCh38, chr11:6,630,271, plus strand): 5'-GCTGCACGACGGCGGCTGGCGTTGGCGGGCCGGTCGGTGGCTTCCACCAGCAGCAGCAGC[G>A]CGGGAGTGGTCTCTCGGTCCAGGCCGCGCGGAGCGCTGAGCGCCCCGGTGCGCGCGTCCA-3'
Protein context (NP_003728.1, residues 1498-1518): PRGLDRETTP[Ala1508Val]LLLLVEATDR

ClinVar aggregate classification (germline): Uncertain significance (1 of 4 stars; one submission).

gnomAD v4.1: 1 of 1,533,916 alleles (0.000065%); highest among the groups gnomAD compares: Non-Finnish European, 0.000087%; no homozygotes.

Submission:

Women's Health and Genetics/Laboratory Corporation of America, LabCorp
Classification: Uncertain significance. Last evaluated: 2024-06-10. Review status: criteria provided, single submitter. Criteria: LabCorp Variant Classification Summary - May 2015. Collection method: clinical testing. Allele origin: germline.
Comment: Variant summary: DCHS1 c.4523C>T (p.Ala1508Val) results in a non-conservative amino acid change located in the Cadherin-like domain (IPR002126) of the encoded protein sequence. Three of five in-silico tools predict a damaging effect of the variant on protein function. The variant was absent in 132680 control chromosomes. The available data on variant occurrences in the general population are insufficient to allow any conclusion about variant significance. To our knowledge, no occurrence of c.4523C>T in individuals affected with DCHS1-Related Disorders and no experimental evidence demonstrating its impact on protein function have been reported. No submitters have cited clinical-significance assessments for this variant to ClinVar. Based on the evidence outlined above, the variant was classified as uncertain significance.